The following is an entry in ClinVar:

NM_013275.6(ANKRD11):c.5500C>T (p.Pro1834Ser)

Gene: ANKRD11 (ankyrin repeat domain 11; minus strand). Cytogenetic location: 16q24.3.
Variant type: single nucleotide variant.
Coding change: c.5500C>T on transcript NM_013275.6 (MANE Select); coding-DNA position 5500, C replaced by T.
Protein change: p.Pro1834Ser; replaces proline 1834 with serine.
Molecular consequence: missense variant.
Genome position (GRCh38, 1-based): chr16:89,281,042, G>A on the plus strand (C>T on the coding strand, the complement: ANKRD11 is on the minus strand). VCF-style: chr16-89281042-G-A. GRCh37 (hg19) VCF-style: chr16-89347450-G-A.
Other names: c.5500C>T, p.Pro1834Ser (NM_001256182.2, NM_001256183.2); short protein forms P1834S.
Identifiers: ClinVar variation 1747981 (VCV001747981.3), dbSNP rs1359427116, ClinGen allele CA397153944.

ClinVar aggregate classification (germline): Uncertain significance. Review status: criteria provided, multiple submitters, no conflicts (2 of 4 stars). 2 submissions from 2 submitters: Uncertain significance (2). Last evaluated 2025-08-04.

Conditions:
KBG syndrome (KBGS). Also called: ANKRD11-Related KBG Syndrome. Identifiers: Orphanet 2332, MedGen C0220687, MONDO:0007846, OMIM 148050.
Inborn genetic diseases. Identifiers: MedGen C0950123, MeSH D030342.

Submissions (2):

Labcorp Genetics (formerly Invitae), Labcorp
Classification: Uncertain significance for KBG syndrome. Last evaluated: 2025-08-04. Review status: criteria provided, single submitter. Criteria: Invitae Variant Classification Sherloc (09022015). Collection method: clinical testing. Allele origin: germline.
Comment: This sequence change replaces proline, which is neutral and non-polar, with serine, which is neutral and polar, at codon 1834 of the ANKRD11 protein (p.Pro1834Ser). This variant is not present in population databases (gnomAD no frequency). This variant has not been reported in the literature in individuals affected with ANKRD11-related conditions. ClinVar contains an entry for this variant (Variation ID: 1747981). Invitae Evidence Modeling of protein sequence and biophysical properties (such as structural, functional, and spatial information, amino acid conservation, physicochemical variation, residue mobility, and thermodynamic stability) indicates that this missense variant is not expected to disrupt ANKRD11 protein function with a negative predictive value of 95%. In summary, the available evidence is currently insufficient to determine the role of this variant in disease. Therefore, it has been classified as a Variant of Uncertain Significance.

Ambry Genetics
Classification: Uncertain significance for Inborn genetic diseases. Last evaluated: 2018-10-10. Review status: criteria provided, single submitter. Criteria: Ambry Variant Classification Scheme 2023. Collection method: clinical testing. Allele origin: germline.
Comment: The p.P1834S variant (also known as c.5500C>T), located in coding exon 7 of the ANKRD11 gene, results from a C to T substitution at nucleotide position 5500. The proline at codon 1834 is replaced by serine, an amino acid with similar properties. This amino acid position is well conserved in available vertebrate species. In addition, this alteration is predicted to be tolerated by in silico analysis. Since supporting evidence is limited at this time, the clinical significance of this alteration remains unclear.